The following is an entry in ClinVar:

NM_000532.5(PCCB):c.683del (p.Pro228fs)

Gene: PCCB (propionyl-CoA carboxylase subunit beta; plus strand). Cytogenetic location: 3q22.3.
Variant type: Deletion.
Coding change: c.683del on transcript NM_000532.5 (MANE Select); coding-DNA position 683, one base deleted (C; older notation c.683delC).
Protein change: p.Pro228fs; shifts the reading frame from proline 228.
Molecular consequence: frameshift variant.
Genome position (GRCh38, 1-based): chr3:136,293,784, C deleted; the last of 3 consecutive C bases (chr3:136,293,782-136,293,784); deleting any one gives the same sequence. VCF-style (leftmost placement, unchanged base first): chr3-136293781-GC-G. GRCh37 (hg19) VCF-style: chr3-136012623-GC-G.
Other names: c.743del, p.Pro248fs (NM_001178014.2); short protein forms P248fs, P228fs.
Identifiers: ClinVar variation 1410349 (VCV001410349.7), dbSNP rs2108197244, ClinGen allele CA2573136567.

ClinVar aggregate classification (germline): Pathogenic/Likely pathogenic. Review status: criteria provided, multiple submitters, no conflicts (2 of 4 stars). 2 submissions from 2 submitters: Pathogenic (1); Likely pathogenic (1). Last evaluated 2024-05-14.

Conditions:
PCCB-related disorder. Also called: PCCB-related condition.
Propionic acidemia (PROP). Also called: GLYCINEMIA, KETOTIC; HYPERGLYCINEMIA WITH KETOACIDOSIS AND LEUKOPENIA; KETOTIC HYPERGLYCINEMIA. Identifiers: Orphanet 35, MedGen C0268579, MONDO:0011628, OMIM 606054, HP:0003571.

Submissions (2):

Labcorp Genetics (formerly Invitae), Labcorp
Classification: Pathogenic for Propionic acidemia. Last evaluated: 2024-05-14. Review status: criteria provided, single submitter. Criteria: Invitae Variant Classification Sherloc (09022015). Collection method: clinical testing. Allele origin: germline.
Comment: This sequence change creates a premature translational stop signal (p.Pro228Leufs*4) in the PCCB gene. It is expected to result in an absent or disrupted protein product. Loss-of-function variants in PCCB are known to be pathogenic (PMID: 15464417). This variant is not present in population databases (gnomAD no frequency). This premature translational stop signal has been observed in individual(s) with propionic acidemia (PMID: 27825584). ClinVar contains an entry for this variant (Variation ID: 1410349). For these reasons, this variant has been classified as Pathogenic.

Blueprint Genetics
Classification: Likely pathogenic for PCCB-related disorders. Last evaluated: 2024-01-11. Review status: criteria provided, single submitter. Criteria: ACMG Guidelines, 2015. Collection method: clinical testing. Allele origin: germline. Affected: yes. Observed: 3 variant alleles.

Literature cited by the submitters: PubMed 15464417 (cited by Labcorp Genetics (formerly Invitae), Labcorp); PubMed 27825584 (cited by Labcorp Genetics (formerly Invitae), Labcorp).